The following is an entry in ClinVar:

ClinVar aggregate classification (germline): Conflicting classifications of pathogenicity. Review status: criteria provided, conflicting classifications (1 of 4 stars). 3 submissions from 3 submitters: Uncertain significance (1); Likely benign (2). Last evaluated 2025-12-10.

Conditions:
Cardiovascular phenotype. Identifiers: MedGen CN230736.
TTN-related disorder. Also called: TTN-related disorders; TTN-related condition; TTN-related disease.

Allele frequency attached by ClinVar (database versions not stated): gnomAD exomes 0.00004; ExAC 0.00006; ESP Exome Variant Server 0.00008; gnomAD 0.00009 and 0.00010; TOPMed 0.00010.
gnomAD v4.1: 25 of 1,612,906 alleles (0.0015%); highest among the groups gnomAD compares: African/African-American, 0.024%; no homozygotes.

Submissions (3):

PreventionGenetics, part of Exact Sciences
Classification: Uncertain significance for TTN-related condition. Last evaluated: 2025-12-10. Review status: criteria provided, single submitter. Criteria: ACMG Guidelines, 2015. Collection method: clinical testing. Allele origin: germline.
Comment: The TTN c.58171G>A variant is predicted to result in the amino acid substitution p.Asp19391Asn. To our knowledge, this variant has not been reported in the literature. This variant is reported in 0.045% of alleles in individuals of African descent in gnomAD. At this time, the clinical significance of this variant is uncertain due to the absence of conclusive functional and genetic evidence.

Ambry Genetics
Classification: Likely benign for Cardiovascular phenotype. Last evaluated: 2019-09-10. Review status: criteria provided, single submitter. Criteria: Ambry Variant Classification Scheme 2023. Collection method: clinical testing. Allele origin: germline.

GeneDx
Classification: Likely benign. Last evaluated: 2019-06-25. Review status: criteria provided, single submitter. Criteria: GeneDx Variant Classification Process June 2021. Collection method: clinical testing. Allele origin: germline. Affected: yes.
Comment: This variant is associated with the following publications: (PMID: 25326804, 25619690, 26110843)

NM_001267550.2(TTN):c.58171G>A (p.Asp19391Asn)

Genes: TTN (titin; minus strand), TTN-AS1 (TTN antisense RNA 1; plus strand). Cytogenetic location: 2q31.2.
Variant type: single nucleotide variant.
Coding change: c.58171G>A on transcript NM_001267550.2 (MANE Select); coding-DNA position 58171, G replaced by A.
Protein change: p.Asp19391Asn; replaces aspartic acid 19391 with asparagine.
Molecular consequence: missense variant.
Genome position (GRCh38, 1-based): chr2:178,594,222, C>T on the plus strand (G>A on the coding strand, the complement: TTN is on the minus strand). VCF-style: chr2-178594222-C-T. GRCh37 (hg19) VCF-style: chr2-179458949-C-T.
Other names: c.53248G>A, p.Asp17750Asn (NM_001256850.1); c.30976G>A, p.Asp10326Asn (NM_003319.4); c.50467G>A, p.Asp16823Asn (NM_133378.4); c.31351G>A, p.Asp10451Asn (NM_133432.3); c.31552G>A, p.Asp10518Asn (NM_133437.4); short protein forms D10326N, D10451N, D10518N, D16823N, D17750N, D19391N.
Identifiers: ClinVar variation 1200489 (VCV001200489.6), dbSNP rs377633051, ClinGen allele CA1992900.
Genomic context (GRCh38, chr2:178,594,222, plus strand): 5'-AGTAACGGCCAGTGAGGGCAAAAGCTTCACCAACTCGAATCGTGAGCTTATCTCTGAAGT[C>T]GAGGTGAAGCGTTGGGGGTGCTAAAATTTGTAATTATAAAGGCAAGTCATTTTTATTGAT-3'
Protein context (NP_001254479.2, residues 19381-19401): DELAPPTLHL[Asp19391Asn]FRDKLTIRVG